The following is an entry in ClinVar:

NM_001379500.1(COL18A1):c.107-12662G>A

Gene: COL18A1 (collagen type XVIII alpha 1 chain; plus strand). Cytogenetic location: 21q22.3.
Variant type: single nucleotide variant.
Coding change: c.107-12662G>A on transcript NM_001379500.1 (MANE Select); 12662 bases into the intron before coding-DNA position 107, G replaced by A.
Molecular consequence: intron variant. On other transcripts: missense variant (2).
Genome position (GRCh38, 1-based): chr21:45,455,580, G>A. VCF-style: chr21-45455580-G-A. GRCh37 (hg19) VCF-style: chr21-46875494-G-A.
Other names: c.50G>A, p.Cys17Tyr (NM_030582.4, NM_130444.3); short protein forms C17Y.
Identifiers: ClinVar variation 1916009 (VCV001916009.2), dbSNP rs1205349866, ClinGen allele CA410505031.

ClinVar aggregate classification (germline): Uncertain significance (1 of 4 stars; one submission).

Allele frequency attached by ClinVar (database versions not stated): gnomAD 0.00001; gnomAD exomes 0.00001; TOPMed 0.00001.
gnomAD v4.1: 11 of 1,613,770 alleles (0.00068%); highest among the groups gnomAD compares: Non-Finnish European, 0.00093%; no homozygotes.

Submission:

Labcorp Genetics (formerly Invitae), Labcorp
Classification: Uncertain significance. Last evaluated: 2022-05-25. Review status: criteria provided, single submitter. Criteria: Invitae Variant Classification Sherloc (09022015). Collection method: clinical testing. Allele origin: germline.
Comment: The COL18A1 gene has multiple clinically relevant transcripts. This variant occurs in alternate transcript NM_030582.4, and corresponds to NM_130445.3:c.107-12662G>A in the primary transcript. This sequence change replaces cysteine, which is neutral and slightly polar, with tyrosine, which is neutral and polar, at codon 17 of the COL18A1 protein (p.Cys17Tyr). This variant is present in population databases (no rsID available, gnomAD 0.002%). This variant has not been reported in the literature in individuals affected with COL18A1-related conditions. Experimental studies and prediction algorithms are not available or were not evaluated, and the functional significance of this variant is currently unknown. In summary, the available evidence is currently insufficient to determine the role of this variant in disease. Therefore, it has been classified as a Variant of Uncertain Significance.